The following is an entry in ClinVar:

ClinVar aggregate classification (germline): Uncertain significance. Review status: criteria provided, multiple submitters, no conflicts (2 of 4 stars). 2 submissions from 2 submitters: Uncertain significance (2). Last evaluated 2024-12-15.

Conditions:
Inborn genetic diseases. Identifiers: MedGen C0950123, MeSH D030342.

gnomAD v4.1: 10 of 1,614,124 alleles (0.00062%); highest among the groups gnomAD compares: East Asian, 0.0022%; no homozygotes.

Submissions (2):

Ambry Genetics
Classification: Uncertain significance for Inborn genetic diseases. Last evaluated: 2024-12-15. Review status: criteria provided, single submitter. Criteria: Ambry Variant Classification Scheme 2023. Collection method: clinical testing. Allele origin: germline.
Comment: The p.S995L variant (also known as c.2984C>T), located in coding exon 13 of the BMPR2 gene, results from a C to T substitution at nucleotide position 2984. The serine at codon 995 is replaced by leucine, an amino acid with dissimilar properties. This amino acid position is conserved. In addition, this alteration is predicted to be tolerated by in silico analysis. Based on the available evidence, the clinical significance of this variant remains unclear.

Mayo Clinic Laboratories, Mayo Clinic
Classification: Uncertain significance. Last evaluated: 2023-08-15. Review status: criteria provided, single submitter. Criteria: ACMG Guidelines, 2015. Collection method: clinical testing. Allele origin: germline. Observed: 1 variant allele.

NM_001204.7(BMPR2):c.2984C>T (p.Ser995Leu)

Gene: BMPR2 (bone morphogenetic protein receptor type 2; plus strand). Cytogenetic location: 2q33.2.
Variant type: single nucleotide variant.
Coding change: c.2984C>T on transcript NM_001204.7 (MANE Select); coding-DNA position 2984, C replaced by T.
Protein change: p.Ser995Leu; replaces serine 995 with leucine.
Molecular consequence: missense variant.
Genome position (GRCh38, 1-based): chr2:202,559,813, C>T. VCF-style: chr2-202559813-C-T. GRCh37 (hg19) VCF-style: chr2-203424536-C-T.
Other names: p.Ser995Leu; short protein forms S995L.
Identifiers: ClinVar variation 3379414 (VCV003379414.2).
Genomic context (GRCh38, chr2:202,559,813, plus strand): 5'-TGAAAACTCCCTATTCTCTTAAGCGGTGGCGCCCCTCCACCTGGGTCATCTCCACTGAAT[C>T]GCTGGACTGTGAAGTCAACAATAATGGCAGTAACAGGGCAGTTCATTCCAAATCCAGCAC-3'
Protein context (NP_001195.2, residues 985-1005): RPSTWVISTE[Ser995Leu]LDCEVNNNGS